The following is an entry in ClinVar:

NM_000137.4(FAH):c.786G>A (p.Trp262Ter)

Gene: FAH (fumarylacetoacetate hydrolase; plus strand). Cytogenetic location: 15q25.1.
Variant type: single nucleotide variant.
Coding change: c.786G>A on transcript NM_000137.4 (MANE Select); coding-DNA position 786, G replaced by A.
Protein change: p.Trp262Ter; replaces tryptophan 262 with a stop codon.
Molecular consequence: nonsense.
Genome position (GRCh38, 1-based): chr15:80,173,093, G>A. VCF-style: chr15-80173093-G-A. GRCh37 (hg19) VCF-style: chr15-80465435-G-A.
Other names: c.786G>A, p.Trp262Ter (NM_001374377.1, NM_001374380.1); short protein forms W262*.
Identifiers: ClinVar variation 11873 (VCV000011873.22), dbSNP rs80338899, ClinGen allele CA341149.
Genomic context (GRCh38, chr15:80,173,093, plus strand): 5'-GGAGTATGTCCCTCTCGGGCCATTCCTTGGGAAGAGTTTTGGGACCACTGTCTCTCCGTG[G>A]GTGGTGCCCATGGATGCTCTCATGCCCTTTGCTGTGCCCAACCCGAAGCAGGTAAGCACA-3'

ClinVar aggregate classification (germline): Pathogenic. Review status: criteria provided, multiple submitters, no conflicts (2 of 4 stars). 7 submissions from 7 submitters: Pathogenic (5). 2 of the submissions do not count toward it. Last evaluated 2025-05-02.

Conditions:
FAH-related disorders.
Tyrosinemia type I (TYRSN1). Also called: HEPATORENAL TYROSINEMIA; FAH DEFICIENCY; Tyrosinemia type 1; Fumarylacetoacetase deficiency; Deficiency of fumarylacetoacetase. Identifiers: Orphanet 882, MedGen C0268490, MONDO:0010161, OMIM 276700. Disease mechanism: loss of function.

Allele frequency attached by ClinVar (database versions not stated): TOPMed 0.00001; gnomAD exomes 0.00008 and 0.00013; gnomAD 0.00009; ExAC 0.00010.
gnomAD v4.1: 98 of 1,614,098 alleles (0.0061%); highest among the groups gnomAD compares: Non-Finnish European, 0.00025%; no homozygotes.

Submissions (7):

Labcorp Genetics (formerly Invitae), Labcorp
Classification: Pathogenic for Tyrosinemia type I. Last evaluated: 2025-05-02. Review status: criteria provided, single submitter. Criteria: Invitae Variant Classification Sherloc (09022015). Collection method: clinical testing. Allele origin: germline.
Comment: This sequence change creates a premature translational stop signal (p.Trp262*) in the FAH gene. It is expected to result in an absent or disrupted protein product. Loss-of-function variants in FAH are known to be pathogenic (PMID: 9101289, 9633815). This variant is present in population databases (rs80338899, gnomAD 0.07%). This premature translational stop signal has been observed in individuals with tyrosinemia type I in Scandinavia (PMID: 7942842, 8162054, 8829657). ClinVar contains an entry for this variant (Variation ID: 11873). For these reasons, this variant has been classified as Pathogenic.

Natera, Inc.
Classification: Pathogenic for Tyrosinemia type I. Last evaluated: 2024-11-11. Review status: criteria provided, single submitter. Criteria: Natera Variant Classification Schema (03/2026). Collection method: clinical testing. Allele origin: germline.
Comment: The c.786G>A variant in FAH is a nonsense variant predicted to introduce a stop codon at amino acid 262. This variant is expected to result in nonsense mediated decay, truncation, or a dysfunctional protein product. This variant is rare in the general population with a frequency below the threshold expected for the associated phenotype(s). This variant has been observed in one or more individuals affected with the associated recessive disease, as either homozygous or compound heterozygous with a second variant (PMID: 22554029, 33046095). Given the available evidence, this variant is classified as Pathogenic.

Blueprint Genetics
Classification: Pathogenic for FAH-related disorders. Last evaluated: 2024-09-12. Review status: criteria provided, single submitter. Criteria: ACMG Guidelines, 2015. Collection method: clinical testing. Allele origin: germline. Affected: yes. Observed: 5 variant alleles.

Fulgent Genetics
Classification: Pathogenic for Tyrosinemia type I. Last evaluated: 2024-05-30. Review status: criteria provided, single submitter. Criteria: ACMG Guidelines, 2015. Collection method: clinical testing. Allele origin: germline.

Myriad Genetics, Inc.
Classification: Pathogenic for Tyrosinemia type I. Last evaluated: 2019-11-12. Review status: criteria provided, single submitter. Criteria: Myriad Women's Health Autosomal Recessive and X-Linked Classification Criteria (2019). Collection method: clinical testing. Allele origin: unknown.
Comment: NM_000137.2(FAH):c.786G>A(W262*) is classified as pathogenic in the context of type I tyrosinemia. Sources cited for classification include the following: PMID 8723698, 8162054, 15465000, 7942842, 15638932 and 8829657. Classification of NM_000137.2(FAH):c.786G>A(W262*) is based on the following criteria: The variant causes a premature termination codon that is expected to be targeted by nonsense-mediated mRNA decay and is reported in individuals with the relevant phenotype. Please note: this variant was assessed in the context of healthy population screening.

OMIM
Classification: Pathogenic for TYROSINEMIA, TYPE I. Last evaluated: 1996-01-01. Review status: no assertion criteria provided. Collection method: literature only. Allele origin: germline. Not counted in ClinVar's aggregate classification.

GeneReviews
No classification provided. Condition: Tyrosinemia type I. Review status: no classification provided. Collection method: literature only. Allele origin: germline. Not counted in ClinVar's aggregate classification.
Comment: Finnish-specific pathogenic variant resulting from founder effect or genetic drift [Angileri et al 2015].

Literature cited by the submitters: PubMed 9101289 (cited by Labcorp Genetics (formerly Invitae), Labcorp); PubMed 9633815 (cited by Labcorp Genetics (formerly Invitae), Labcorp); PubMed 7942842 (cited by Labcorp Genetics (formerly Invitae), Labcorp and Myriad Genetics, Inc.); PubMed 8162054 (cited by 3 submitters); PubMed 8829657 (cited by Labcorp Genetics (formerly Invitae), Labcorp and Myriad Genetics, Inc.); PubMed 22554029 (cited by Natera, Inc.); PubMed 33046095 (cited by Natera, Inc.); PubMed 8723698 (cited by Myriad Genetics, Inc. and OMIM); PubMed 15465000 (cited by Myriad Genetics, Inc.); PubMed 15638932 (cited by Myriad Genetics, Inc.); NCBI Bookshelf NBK1515 (cited by GeneReviews); PubMed 20301688 (cited by GeneReviews); PubMed 25681080 (cited by GeneReviews).